The following is an entry in ClinVar:

NM_024649.5(BBS1):c.1395C>T (p.Arg465=)

Genes: BBS1 (Bardet-Biedl syndrome 1; plus strand), ZDHHC24 (zDHHC palmitoyltransferase 24; minus strand). Cytogenetic location: 11q13.2.
Variant type: single nucleotide variant.
Coding change: c.1395C>T on transcript NM_024649.5 (MANE Select); coding-DNA position 1395, C replaced by T.
Protein change: p.Arg465=; no amino-acid change (arginine 465 retained).
Molecular consequence: synonymous variant. On other transcripts: intron variant (1).
Genome position (GRCh38, 1-based): chr11:66,529,874, C>T. VCF-style: chr11-66529874-C-T. GRCh37 (hg19) VCF-style: chr11-66297345-C-T.
Other names: c.560-386G>A (NM_001348571.2).
Identifiers: ClinVar variation 704225 (VCV000704225.14), dbSNP rs756550025, ClinGen allele CA6123755.

ClinVar aggregate classification (germline): Likely benign. Review status: criteria provided, single submitter (1 of 4 stars). 3 submissions from 3 submitters: Likely benign (1). 2 of the submissions do not count toward it. Last evaluated 2024-12-02.

Conditions:
Bardet-Biedl syndrome (BBS). Identifiers: Orphanet 110, MedGen C0752166, MONDO:0015229.
Bardet-Biedl syndrome 1 (BBS1). Identifiers: MedGen C2936862, MONDO:0008854, OMIM 209900. Disease mechanism: loss of function.
BBS1-related disorder. Also called: BBS1-related condition.

Allele frequency attached by ClinVar (database versions not stated): gnomAD 0.00001; ExAC 0.00002; gnomAD exomes 0.00001 and 0.00003; TOPMed 0.00001.
gnomAD v4.1: 18 of 1,610,038 alleles (0.0011%); highest among the groups gnomAD compares: Admixed American, 0.0067%; no homozygotes.

Submissions (3):

Labcorp Genetics (formerly Invitae), Labcorp
Classification: Likely benign for Bardet-Biedl syndrome. Last evaluated: 2024-12-02. Review status: criteria provided, single submitter. Criteria: Invitae Variant Classification Sherloc (09022015). Collection method: clinical testing. Allele origin: germline.

PreventionGenetics, part of Exact Sciences
Classification: Likely benign for BBS1-related condition. Last evaluated: 2023-12-27. Review status: no assertion criteria provided. Collection method: clinical testing. Allele origin: germline. Not counted in ClinVar's aggregate classification.
Comment: This variant is classified as likely benign based on ACMG/AMP sequence variant interpretation guidelines (Richards et al. 2015 PMID: 25741868, with internal and published modifications).

Natera, Inc.
Classification: Uncertain significance for Bardet-Biedl syndrome type 1. Last evaluated: 2020-01-24. Review status: no assertion criteria provided. Collection method: clinical testing. Allele origin: germline. Not counted in ClinVar's aggregate classification.